The following is an entry in ClinVar:

ClinVar aggregate classification (germline): Uncertain significance (1 of 4 stars; one submission).

Conditions:
MHC class II deficiency. Also called: BLS, TYPE II; Bare lymphocyte syndrome 2. Identifiers: Orphanet 572, MedGen C5447452, MONDO:0008855.

Allele frequency attached by ClinVar (database versions not stated): gnomAD exomes below 0.00001; gnomAD 0.00001; ExAC 0.00002; 1000 Genomes Project 30x 0.00016; 1000 Genomes Project 0.00020.
gnomAD v4.1: 6 of 1,612,480 alleles (0.00037%); highest among the groups gnomAD compares: South Asian, 0.0033%; no homozygotes.

Submission:

Labcorp Genetics (formerly Invitae), Labcorp
Classification: Uncertain significance for MHC class II deficiency. Last evaluated: 2021-09-01. Review status: criteria provided, single submitter. Criteria: Invitae Variant Classification Sherloc (09022015). Collection method: clinical testing. Allele origin: germline.
Comment: This sequence change replaces threonine with alanine at codon 348 of the CIITA protein (p.Thr348Ala). The threonine residue is weakly conserved and there is a small physicochemical difference between threonine and alanine. This variant is present in population databases (rs568273747, ExAC 0.01%). This variant has not been reported in the literature in individuals affected with CIITA-related conditions. Algorithms developed to predict the effect of missense changes on protein structure and function output the following: SIFT: "Tolerated"; PolyPhen-2: "Benign"; Align-GVGD: "Class C0". The alanine amino acid residue is found in multiple mammalian species, which suggests that this missense change does not adversely affect protein function. In summary, the available evidence is currently insufficient to determine the role of this variant in disease. Therefore, it has been classified as a Variant of Uncertain Significance.

NM_000246.4(CIITA):c.1042A>G (p.Thr348Ala)

Gene: CIITA (class II major histocompatibility complex transactivator; plus strand). Cytogenetic location: 16p13.13.
Variant type: single nucleotide variant.
Coding change: c.1042A>G on transcript NM_000246.4 (MANE Select); coding-DNA position 1042, A replaced by G.
Protein change: p.Thr348Ala; replaces threonine 348 with alanine.
Molecular consequence: missense variant. On other transcripts: intron variant (1).
Genome position (GRCh38, 1-based): chr16:10,906,534, A>G. VCF-style: chr16-10906534-A-G. GRCh37 (hg19) VCF-style: chr16-11000391-A-G.
Other names: c.1045A>G, p.Thr349Ala (NM_001286402.1, NM_001379332.1); c.898A>G, p.Thr300Ala (NM_001379330.1); c.895A>G, p.Thr299Ala (NM_001379331.1); c.1042A>G, p.Thr348Ala (NM_001379333.1); c.973A>G, p.Thr325Ala (NM_001379334.1); c.859+1722A>G (NM_001286403.2); short protein forms T299A, T300A, T325A, T348A, T349A.
Identifiers: ClinVar variation 1059595 (VCV001059595.2), dbSNP rs568273747, ClinGen allele CA7900039.
Genomic context (GRCh38, chr16:10,906,534, plus strand): 5'-CCTGACACGCCCCTGGCCTTTGCAGAGCCGGTGGAGCAGTTCTACCGCTCACTGCAGGAC[A>G]CGTATGGTGCCGAGCCCGCAGGCCCGGATGGCATCCTAGTGGAGGTGGATCTGGTGCAGG-3'
Protein context (NP_000237.2, residues 338-358): VEQFYRSLQD[Thr348Ala]YGAEPAGPDG